The following is an entry in ClinVar:

NM_001605.3(AARS1):c.2279C>G (p.Ala760Gly)

Gene: AARS1 (alanyl-tRNA synthetase 1; minus strand). Cytogenetic location: 16q22.1.
Variant type: single nucleotide variant.
Coding change: c.2279C>G on transcript NM_001605.3 (MANE Select); coding-DNA position 2279, C replaced by G.
Protein change: p.Ala760Gly; replaces alanine 760 with glycine.
Molecular consequence: missense variant.
Genome position (GRCh38, 1-based): chr16:70,255,735, G>C on the plus strand (C>G on the coding strand, the complement: AARS1 is on the minus strand). VCF-style: chr16-70255735-G-C. GRCh37 (hg19) VCF-style: chr16-70289638-G-C.
Other names: short protein forms A760G.
Identifiers: ClinVar variation 2017158 (VCV002017158.4), dbSNP rs1959973163, ClinGen allele CA396556776.

ClinVar aggregate classification (germline): Uncertain significance (1 of 4 stars; one submission).

Conditions:
Charcot-Marie-Tooth disease type 2. Also called: Charcot-Marie-Tooth type 2. Identifiers: Orphanet 64746, MedGen C0270914, MONDO:0018993.

Allele frequency attached by ClinVar (database versions not stated): TOPMed below 0.00001.

Submission:

Labcorp Genetics (formerly Invitae), Labcorp
Classification: Uncertain significance for Charcot-Marie-Tooth disease type 2. Last evaluated: 2022-07-29. Review status: criteria provided, single submitter. Criteria: Invitae Variant Classification Sherloc (09022015). Collection method: clinical testing. Allele origin: germline.
Comment: This variant is not present in population databases (gnomAD no frequency). In summary, the available evidence is currently insufficient to determine the role of this variant in disease. Therefore, it has been classified as a Variant of Uncertain Significance. Algorithms developed to predict the effect of missense changes on protein structure and function are either unavailable or do not agree on the potential impact of this missense change (SIFT: "Deleterious"; PolyPhen-2: "Benign"; Align-GVGD: "Class C0"). This variant has not been reported in the literature in individuals affected with AARS-related conditions. This sequence change replaces alanine, which is neutral and non-polar, with glycine, which is neutral and non-polar, at codon 760 of the AARS protein (p.Ala760Gly).